The following is an entry in ClinVar:

NM_005263.5(GFI1):c.792C>T (p.Phe264=)

Gene: GFI1 (growth factor independent 1 transcriptional repressor; minus strand). Cytogenetic location: 1p22.1.
Variant type: single nucleotide variant.
Coding change: c.792C>T on transcript NM_005263.5 (MANE Select); coding-DNA position 792, C replaced by T.
Protein change: p.Phe264=; no amino-acid change (phenylalanine 264 retained).
Molecular consequence: synonymous variant.
Genome position (GRCh38, 1-based): chr1:92,480,480, G>A on the plus strand (C>T on the coding strand, the complement: GFI1 is on the minus strand). VCF-style: chr1-92480480-G-A. GRCh37 (hg19) VCF-style: chr1-92946037-G-A.
Other names: p.Phe264=; c.792C>T, p.Phe264= (NM_001127215.3, NM_001127216.3).
Identifiers: ClinVar variation 298188 (VCV000298188.53), dbSNP rs114487177, ClinGen allele CA951306.

ClinVar aggregate classification (germline): Benign/Likely benign. Review status: criteria provided, multiple submitters, no conflicts (2 of 4 stars). 11 submissions from 11 submitters: Benign (2); Likely benign (7). 2 of the submissions do not count toward it. Last evaluated 2026-06-01.

Conditions:
Neutropenia, severe congenital, 2, autosomal dominant. Identifiers: Orphanet 486, MedGen C2751288, MONDO:0013139, OMIM 613107.
Nonimmune chronic idiopathic neutropenia of adults. Identifiers: Orphanet 2688, MedGen C1842930, MONDO:0011922, OMIM 607847.

Allele frequency attached by ClinVar (database versions not stated): 1000 Genomes Project 0.00140; ExAC 0.00176; 1000 Genomes Project 30x 0.00203; gnomAD exomes 0.00230 and 0.00370; gnomAD 0.00268 and 0.00276; TOPMed 0.00291.

Submissions (11):

CeGaT Center for Human Genetics Tuebingen
Classification: Benign. Last evaluated: 2026-06-01. Review status: criteria provided, single submitter. Criteria: CeGaT Center For Human Genetics Tuebingen Variant Classification Criteria Version 2. Collection method: clinical testing. Allele origin: germline. Affected: yes. Observed: 9 variant alleles.
Comment: GFI1: BP4, BP7, BS1, BS2

Labcorp Genetics (formerly Invitae), Labcorp
Classification: Benign for Neutropenia, severe congenital, 2, autosomal dominant. Last evaluated: 2026-01-28. Review status: criteria provided, single submitter. Criteria: Invitae Variant Classification Sherloc (09022015). Collection method: clinical testing. Allele origin: germline.

Mayo Clinic Laboratories, Mayo Clinic
Classification: Likely benign. Last evaluated: 2025-09-11. Review status: criteria provided, single submitter. Criteria: ACMG Guidelines, 2015. Collection method: clinical testing. Allele origin: germline. Observed: 12 variant alleles.
Comment: BS2, BP4, BP7

ARUP Laboratories, Molecular Genetics and Genomics, ARUP Laboratories
Classification: Likely benign. Last evaluated: 2025-01-30. Review status: criteria provided, single submitter. Criteria: ARUP Molecular Germline Variant Investigation Process 2024. Collection method: clinical testing. Allele origin: germline.

Blueprint Genetics
Classification: Likely benign. Last evaluated: 2024-11-20. Review status: criteria provided, single submitter. Criteria: ACMG Guidelines, 2015. Collection method: clinical testing. Allele origin: germline.

Ambry Genetics
Classification: Likely benign. Last evaluated: 2024-10-02. Review status: criteria provided, single submitter. Criteria: Ambry Variant Classification Scheme 2023. Collection method: clinical testing. Allele origin: germline.

Fulgent Genetics
Classification: Likely benign for Nonimmune chronic idiopathic neutropenia of adults; Neutropenia, severe congenital, 2, autosomal dominant. Last evaluated: 2022-05-16. Review status: criteria provided, single submitter. Criteria: ACMG Guidelines, 2015. Collection method: clinical testing. Allele origin: unknown.

Genetic Services Laboratory, University of Chicago
Classification: Likely benign. Last evaluated: 2021-10-01. Review status: criteria provided, single submitter. Criteria: ACMG Guidelines, 2015. Collection method: clinical testing. Allele origin: germline. Affected: no.

Breakthrough Genomics
Classification: Likely benign. Review status: criteria provided, single submitter. Criteria: ACMG Guidelines, 2015. Collection method: not provided. Allele origin: germline. Inheritance: Autosomal dominant inheritance. Affected: yes.

Clinical Genetics DNA and cytogenetics Diagnostics Lab, Erasmus MC, Erasmus Medical Center
Classification: Likely benign. Review status: no assertion criteria provided. Collection method: clinical testing. Allele origin: germline. Affected: yes. Study: VKGL Data-share Consensus. Not counted in ClinVar's aggregate classification.

Genome Diagnostics Laboratory, University Medical Center Utrecht
Classification: Likely benign. Review status: no assertion criteria provided. Collection method: clinical testing. Allele origin: germline. Affected: yes. Study: VKGL Data-share Consensus. Not counted in ClinVar's aggregate classification.